The following is an entry in ClinVar:

ClinVar aggregate classification (germline): Uncertain significance (1 of 4 stars; one submission).

Submission:

Labcorp Genetics (formerly Invitae), Labcorp
Classification: Uncertain significance. Last evaluated: 2025-01-23. Review status: criteria provided, single submitter. Criteria: Invitae Variant Classification Sherloc (09022015). Collection method: clinical testing. Allele origin: germline.
Comment: This sequence change falls in intron 20 of the COL9A3 gene. It does not directly change the encoded amino acid sequence of the COL9A3 protein. It affects a nucleotide within the consensus splice site. This variant is not present in population databases (gnomAD no frequency). This variant has not been reported in the literature in individuals affected with COL9A3-related conditions. Variants that disrupt the consensus splice site are a relatively common cause of aberrant splicing (PMID: 17576681, 9536098). Algorithms developed to predict the effect of sequence changes on RNA splicing suggest that this variant is not likely to affect RNA splicing. In summary, the available evidence is currently insufficient to determine the role of this variant in disease. Therefore, it has been classified as a Variant of Uncertain Significance.

Literature cited by the submitters: PubMed 17576681; PubMed 9536098.

NM_001853.4(COL9A3):c.1053+6T>C

Gene: COL9A3 (collagen type IX alpha 3 chain; plus strand). Cytogenetic location: 20q13.33.
Variant type: single nucleotide variant.
Coding change: c.1053+6T>C on transcript NM_001853.4 (MANE Select); 6 bases into the intron after coding-DNA position 1053, T replaced by C.
Molecular consequence: intron variant.
Genome position (GRCh38, 1-based): chr20:62,829,505, T>C. VCF-style: chr20-62829505-T-C. GRCh37 (hg19) VCF-style: chr20-61460857-T-C.
Identifiers: ClinVar variation 3692484 (VCV003692484.2).
Genomic context (GRCh38, chr20:62,829,505, plus strand): 5'-CTCCTGGCAGGGCCTCCCTGGACGAGCGGGGTCCAAAGGCGAGAAGGGAGAACGGGTATG[T>C]GGCTGCAGCCGCTTTCTCTCTGGGAGGGGAGGCGAGGGGCCGGGAGGCAAGGGGCTGGGG-3'